The following is an entry in ClinVar:

NM_025009.5(CEP135):c.2363G>A (p.Arg788Gln)

Gene: CEP135 (centrosomal protein 135; plus strand). Cytogenetic location: 4q12.
Variant type: single nucleotide variant.
Coding change: c.2363G>A on transcript NM_025009.5 (MANE Select); coding-DNA position 2363, G replaced by A.
Protein change: p.Arg788Gln; replaces arginine 788 with glutamine.
Molecular consequence: missense variant.
Genome position (GRCh38, 1-based): chr4:56,009,761, G>A. VCF-style: chr4-56009761-G-A. GRCh37 (hg19) VCF-style: chr4-56875927-G-A.
Other names: c.2363G>A (NM_025009.3); short protein forms R788Q.
Identifiers: ClinVar variation 1413317 (VCV001413317.5), dbSNP rs751605052, ClinGen allele CA2928137.

ClinVar aggregate classification (germline): Uncertain significance. Review status: criteria provided, multiple submitters, no conflicts (2 of 4 stars). 2 submissions from 2 submitters: Uncertain significance (2). Last evaluated 2024-09-26.

Conditions:
Inborn genetic diseases. Identifiers: MedGen C0950123, MeSH D030342.

Allele frequency attached by ClinVar (database versions not stated): gnomAD exomes 0.00001 and 0.00004; ExAC 0.00002; gnomAD 0.00007 and 0.00009; TOPMed 0.00011.
gnomAD v4.1: 22 of 1,610,194 alleles (0.0014%); highest among the groups gnomAD compares: African/African-American, 0.021%; no homozygotes.

Submissions (2):

Ambry Genetics
Classification: Uncertain significance for Inborn genetic diseases. Last evaluated: 2024-09-26. Review status: criteria provided, single submitter. Criteria: Ambry Variant Classification Scheme 2023. Collection method: clinical testing. Allele origin: germline.

Labcorp Genetics (formerly Invitae), Labcorp
Classification: Uncertain significance. Last evaluated: 2022-07-06. Review status: criteria provided, single submitter. Criteria: Invitae Variant Classification Sherloc (09022015). Collection method: clinical testing. Allele origin: germline.
Comment: In summary, the available evidence is currently insufficient to determine the role of this variant in disease. Therefore, it has been classified as a Variant of Uncertain Significance. Algorithms developed to predict the effect of missense changes on protein structure and function output the following: SIFT: "Deleterious"; PolyPhen-2: "Benign"; Align-GVGD: "Class C0". The glutamine amino acid residue is found in multiple mammalian species, which suggests that this missense change does not adversely affect protein function. ClinVar contains an entry for this variant (Variation ID: 1413317). This variant has not been reported in the literature in individuals affected with CEP135-related conditions. This variant is present in population databases (rs751605052, gnomAD 0.03%). This sequence change replaces arginine, which is basic and polar, with glutamine, which is neutral and polar, at codon 788 of the CEP135 protein (p.Arg788Gln).